The following is an entry in ClinVar:

ClinVar aggregate classification (germline): Pathogenic/Likely pathogenic. Review status: criteria provided, multiple submitters, no conflicts (2 of 4 stars). 2 submissions from 2 submitters: Pathogenic (1); Likely pathogenic (1). Last evaluated 2025-02-06.

Conditions:
Alstrom syndrome (ALMS). Identifiers: Orphanet 64, MedGen C0268425, MONDO:0008763, OMIM 203800.

Submissions (2):

Labcorp Genetics (formerly Invitae), Labcorp
Classification: Pathogenic for Alstrom syndrome. Last evaluated: 2025-02-06. Review status: criteria provided, single submitter. Criteria: Invitae Variant Classification Sherloc (09022015). Collection method: clinical testing. Allele origin: germline.
Comment: This sequence change creates a premature translational stop signal (p.Gln1677*) in the ALMS1 gene. It is expected to result in an absent or disrupted protein product. Loss-of-function variants in ALMS1 are known to be pathogenic (PMID: 17594715). This variant is not present in population databases (gnomAD no frequency). This variant has not been reported in the literature in individuals affected with ALMS1-related conditions. For these reasons, this variant has been classified as Pathogenic.

Natera, Inc.
Classification: Likely pathogenic for Alstrom syndrome. Last evaluated: 2024-06-14. Review status: criteria provided, single submitter. Criteria: Natera Variant Classification Schema (03/2026). Collection method: clinical testing. Allele origin: germline.
Comment: The c.5029C>T variant in ALMS1 is a nonsense variant predicted to introduce a stop codon at amino acid 1677. This variant is expected to result in nonsense mediated decay, truncation, or a dysfunctional protein product. This variant is rare in the general population with a frequency below the threshold expected for the associated phenotype(s). Given the available evidence, this variant is classified as Likely Pathogenic.

Literature cited by the submitters: PubMed 17594715 (cited by Labcorp Genetics (formerly Invitae), Labcorp).

NM_001378454.1(ALMS1):c.5026C>T (p.Gln1676Ter)

Gene: ALMS1 (ALMS1 centrosome and basal body associated protein; plus strand). Cytogenetic location: 2p13.1.
Variant type: single nucleotide variant.
Coding change: c.5026C>T on transcript NM_001378454.1 (MANE Select); coding-DNA position 5026, C replaced by T.
Protein change: p.Gln1676Ter; replaces glutamine 1676 with a stop codon.
Molecular consequence: nonsense.
Genome position (GRCh38, 1-based): chr2:73,451,553, C>T. VCF-style: chr2-73451553-C-T. GRCh37 (hg19) VCF-style: chr2-73678680-C-T.
Other names: c.5029C>T, p.Gln1677Ter (NM_015120.4); short protein forms Q1677*, Q1676*.
Identifiers: ClinVar variation 4768152 (VCV004768152.2).